The following is an entry in ClinVar:

ClinVar aggregate classification (germline): Uncertain significance. Review status: criteria provided, multiple submitters, no conflicts (2 of 4 stars). 3 submissions from 3 submitters: Uncertain significance (3). Last evaluated 2025-06-06.

Allele frequency attached by ClinVar (database versions not stated): TOPMed below 0.00001.
gnomAD v4.1: 2 of 1,613,990 alleles (0.00012%); highest among the groups gnomAD compares: Non-Finnish European, 0.000085%; no homozygotes.

Submissions (3):

Women's Health and Genetics/Laboratory Corporation of America, LabCorp
Classification: Uncertain significance. Last evaluated: 2025-06-06. Review status: criteria provided, single submitter. Criteria: LabCorp Variant Classification Summary - May 2015. Collection method: clinical testing. Allele origin: germline.
Comment: Variant summary: CHD8 c.6647C>T (p.Pro2216Leu) results in a non-conservative amino acid change in the encoded protein sequence. Algorithms developed to predict the effect of missense changes on protein structure and function are either unavailable or do not agree on the potential impact of this missense change. The variant allele was found at a frequency of 1.2e-06 in 1607026 control chromosomes in the gnomAD database (v4.1 dataset). The available data on variant occurrences in the general population are insufficient to allow any conclusion about variant significance. To our knowledge, no occurrence of c.6647C>T in individuals affected with CHD8-Related Disorders and no experimental evidence demonstrating its impact on protein function have been reported. ClinVar contains an entry for this variant (Variation ID: 1303499). Based on the evidence outlined above, the variant was classified as uncertain significance.

Blueprint Genetics
Classification: Uncertain significance. Last evaluated: 2024-03-08. Review status: criteria provided, single submitter. Criteria: ACMG Guidelines, 2015. Collection method: clinical testing. Allele origin: germline.

GeneDx
Classification: Uncertain significance. Last evaluated: 2019-07-25. Review status: criteria provided, single submitter. Criteria: GeneDx Variant Classification Process June 2021. Collection method: clinical testing. Allele origin: germline. Affected: yes.
Comment: Not observed in large population cohorts (Lek et al., 2016); In silico analysis, which includes protein predictors and evolutionary conservation, supports a deleterious effect; Has not been previously published as pathogenic or benign to our knowledge

NM_001170629.2(CHD8):c.6647C>T (p.Pro2216Leu)

Gene: CHD8 (chromodomain helicase DNA binding protein 8; minus strand). Cytogenetic location: 14q11.2.
Variant type: single nucleotide variant.
Coding change: c.6647C>T on transcript NM_001170629.2 (MANE Select); coding-DNA position 6647, C replaced by T.
Protein change: p.Pro2216Leu; replaces proline 2216 with leucine.
Molecular consequence: missense variant.
Genome position (GRCh38, 1-based): chr14:21,392,631, G>A on the plus strand (C>T on the coding strand, the complement: CHD8 is on the minus strand). VCF-style: chr14-21392631-G-A. GRCh37 (hg19) VCF-style: chr14-21860790-G-A.
Other names: c.5810C>T, p.Pro1937Leu (NM_020920.4); short protein forms P1937L, P2216L.
Identifiers: ClinVar variation 1303499 (VCV001303499.4), dbSNP rs1887597818, ClinGen allele CA388878449.
Genomic context (GRCh38, chr14:21,392,631, plus strand): 5'-GCCGCTGTGCTGACTGCAGATGCTTCCTCCTCTGCCATGGAAGCTGCACTACTACTTCGT[G>A]GTGTGGGGACTGGAGAGTCACCATATTCTCCAGGAGTCAATGAGGGACTGTCTAGCAAGT-3'
Protein context (NP_001164100.1, residues 2206-2226): GEYGDSPVPT[Pro2216Leu]RSSSAASMAE